The following is an entry in ClinVar:

ClinVar aggregate classification (germline): Uncertain significance (1 of 4 stars; one submission).

Conditions:
Pityriasis rubra pilaris (PRP). Also called: Pityriasis rubra pilaris--familial type. Identifiers: Orphanet 2897, MedGen C0032027, MONDO:0100017, OMIM 173200, MONDO:0008251.
Psoriasis 2. Identifiers: MedGen C1864497, MONDO:0011269, OMIM 602723.

Allele frequency attached by ClinVar (database versions not stated): TOPMed below 0.00001; gnomAD exomes 0.00001.
gnomAD v4.1: 4 of 1,575,142 alleles (0.00025%); highest among the groups gnomAD compares: Middle Eastern, 0.017%; no homozygotes.

Submission:

Labcorp Genetics (formerly Invitae), Labcorp
Classification: Uncertain significance for Pityriasis rubra pilaris; Psoriasis 2. Last evaluated: 2024-05-21. Review status: criteria provided, single submitter. Criteria: Invitae Variant Classification Sherloc (09022015). Collection method: clinical testing. Allele origin: germline.
Comment: This sequence change replaces proline, which is neutral and non-polar, with leucine, which is neutral and non-polar, at codon 36 of the CARD14 protein (p.Pro36Leu). This variant is present in population databases (rs759080738, gnomAD 0.007%). This variant has not been reported in the literature in individuals affected with CARD14-related conditions. Advanced modeling of protein sequence and biophysical properties (such as structural, functional, and spatial information, amino acid conservation, physicochemical variation, residue mobility, and thermodynamic stability) performed at Invitae indicates that this missense variant is expected to disrupt CARD14 protein function with a positive predictive value of 80%. In summary, the available evidence is currently insufficient to determine the role of this variant in disease. Therefore, it has been classified as a Variant of Uncertain Significance.

NM_001366385.1(CARD14):c.107C>T (p.Pro36Leu)

Gene: CARD14 (caspase recruitment domain family member 14; plus strand). Cytogenetic location: 17q25.3.
Variant type: single nucleotide variant.
Coding change: c.107C>T on transcript NM_001366385.1 (MANE Select); coding-DNA position 107, C replaced by T.
Protein change: p.Pro36Leu; replaces proline 36 with leucine.
Molecular consequence: missense variant. On other transcripts: non-coding transcript variant (1).
Genome position (GRCh38, 1-based): chr17:80,181,545, C>T. VCF-style: chr17-80181545-C-T. GRCh37 (hg19) VCF-style: chr17-78155344-C-T.
Other names: c.107C>T, p.Pro36Leu (NM_001257970.1, NM_024110.4); short protein forms P36L.
Identifiers: ClinVar variation 2931553 (VCV002931553.3), dbSNP rs759080738, ClinGen allele CA8816334.